The following is an entry in ClinVar:

ClinVar aggregate classification (germline): Conflicting classifications of pathogenicity. Review status: criteria provided, conflicting classifications (1 of 4 stars). 3 submissions from 3 submitters: Uncertain significance (2); Likely benign (1). Last evaluated 2026-02-16.

Conditions:
Hereditary cancer-predisposing syndrome. Also called: Neoplastic Syndromes, Hereditary; Tumor predisposition; Hereditary Cancer Syndrome; Hereditary neoplastic syndrome. Identifiers: Orphanet 140162, MedGen C0027672, MeSH D009386, MONDO:0015356.
Hereditary breast ovarian cancer syndrome. Also called: Hereditary breast and ovarian cancer syndrome (HBOC); Hereditary breast and ovarian cancer; Breast and ovarian cancer; Hereditary breast and/or ovarian cancer syndrome; BRCA1- and BRCA2-Associated Hereditary Breast and Ovarian Cancer; Hereditary breast and ovarian cancer syndrome. Identifiers: Orphanet 145, MedGen C0677776, MeSH D061325, MONDO:0003582. Disease mechanism: loss of function.

Submissions (3):

Ambry Genetics
Classification: Uncertain significance for Hereditary cancer-predisposing syndrome. Last evaluated: 2026-02-16. Review status: criteria provided, single submitter. Criteria: Ambry Variant Classification Scheme 2023. Collection method: clinical testing. Allele origin: germline.
Comment: The p.N1049D variant (also known as c.3145A>G), located in coding exon 10 of the BRCA2 gene, results from an A to G substitution at nucleotide position 3145. The asparagine at codon 1049 is replaced by aspartic acid, an amino acid with highly similar properties. This amino acid position is conserved. In addition, this alteration is predicted to be tolerated by in silico analysis. Based on the available evidence, the clinical significance of this variant remains unclear.

Labcorp Genetics (formerly Invitae), Labcorp
Classification: Uncertain significance for Hereditary breast ovarian cancer syndrome. Last evaluated: 2025-03-04. Review status: criteria provided, single submitter. Criteria: Invitae Variant Classification Sherloc (09022015). Collection method: clinical testing. Allele origin: germline.
Comment: This sequence change replaces asparagine, which is neutral and polar, with aspartic acid, which is acidic and polar, at codon 1049 of the BRCA2 protein (p.Asn1049Asp). This variant is not present in population databases (gnomAD no frequency). This variant has not been reported in the literature in individuals affected with BRCA2-related conditions. ClinVar contains an entry for this variant (Variation ID: 1523001). Invitae Evidence Modeling of protein sequence and biophysical properties (such as structural, functional, and spatial information, amino acid conservation, physicochemical variation, residue mobility, and thermodynamic stability) indicates that this missense variant is not expected to disrupt BRCA2 protein function with a negative predictive value of 95%. In summary, the available evidence is currently insufficient to determine the role of this variant in disease. Therefore, it has been classified as a Variant of Uncertain Significance.

University of Washington Department of Laboratory Medicine, University of Washington
Classification: Likely benign for Hereditary cancer-predisposing syndrome. Last evaluated: 2023-03-23. Review status: criteria provided, single submitter. Criteria: Dines et al. (Genet Med. 2020). Collection method: curation. Allele origin: germline.
Comment: Missense variant in a coldspot region where missense variants are very unlikely to be pathogenic (PMID:31911673).

BRCA2 exon 11 coldspot. Reclassification based on statistical prior probability.

NM_000059.4(BRCA2):c.3145A>G (p.Asn1049Asp)

Gene: BRCA2 (BRCA2 DNA repair associated; plus strand). Cytogenetic location: 13q13.1.
Variant type: single nucleotide variant.
Coding change: c.3145A>G on transcript NM_000059.4 (MANE Select); coding-DNA position 3145, A replaced by G.
Protein change: p.Asn1049Asp; replaces asparagine 1049 with aspartic acid.
Molecular consequence: missense variant.
Genome position (GRCh38, 1-based): chr13:32,337,500, A>G. VCF-style: chr13-32337500-A-G. GRCh37 (hg19) VCF-style: chr13-32911637-A-G.
Other names: c.3145A>G (NM_000059.3); short protein forms N1049D.
Identifiers: ClinVar variation 1523001 (VCV001523001.10), dbSNP rs2137493626, ClinGen allele CA387775755.